The following is an entry in ClinVar:

NM_182493.3(MYLK3):c.1127C>T (p.Pro376Leu)

Gene: MYLK3 (myosin light chain kinase 3; minus strand). Cytogenetic location: 16q11.2.
Variant type: single nucleotide variant.
Coding change: c.1127C>T on transcript NM_182493.3 (MANE Select); coding-DNA position 1127, C replaced by T.
Protein change: p.Pro376Leu; replaces proline 376 with leucine.
Molecular consequence: missense variant.
Genome position (GRCh38, 1-based): chr16:46,732,543, G>A on the plus strand (C>T on the coding strand, the complement: MYLK3 is on the minus strand). VCF-style: chr16-46732543-G-A. GRCh37 (hg19) VCF-style: chr16-46766455-G-A.
Other names: c.104C>T, p.Pro35Leu (NM_001308301.1); short protein forms P35L, P376L.
Identifiers: ClinVar variation 2042642 (VCV002042642.4), dbSNP rs1417315580, ClinGen allele CA395792856.

ClinVar aggregate classification (germline): Uncertain significance (1 of 4 stars; one submission).

Allele frequency attached by ClinVar (database versions not stated): gnomAD 0.00001; TOPMed 0.00001.
gnomAD v4.1: 14 of 1,601,904 alleles (0.00087%); highest among the groups gnomAD compares: Non-Finnish European, 0.0012%; no homozygotes.

Submission:

Labcorp Genetics (formerly Invitae), Labcorp
Classification: Uncertain significance. Last evaluated: 2024-07-16. Review status: criteria provided, single submitter. Criteria: Invitae Variant Classification Sherloc (09022015). Collection method: clinical testing. Allele origin: germline.
Comment: This sequence change replaces proline, which is neutral and non-polar, with leucine, which is neutral and non-polar, at codon 376 of the MYLK3 protein (p.Pro376Leu). This variant is not present in population databases (gnomAD no frequency). This variant has not been reported in the literature in individuals affected with MYLK3-related conditions. ClinVar contains an entry for this variant (Variation ID: 2042642). An algorithm developed to predict the effect of missense changes on protein structure and function outputs the following: PolyPhen-2: "Benign". The leucine amino acid residue is found in multiple mammalian species, which suggests that this missense change does not adversely affect protein function. In summary, the available evidence is currently insufficient to determine the role of this variant in disease. Therefore, it has been classified as a Variant of Uncertain Significance.